The following is an entry in ClinVar:

NM_015909.4(NBAS):c.6076G>A (p.Val2026Ile)

Gene: NBAS (NBAS subunit of NRZ tethering complex; minus strand). Cytogenetic location: 2p24.3.
Variant type: single nucleotide variant.
Coding change: c.6076G>A on transcript NM_015909.4 (MANE Select); coding-DNA position 6076, G replaced by A.
Protein change: p.Val2026Ile; replaces valine 2026 with isoleucine.
Molecular consequence: missense variant. On other transcripts: non-coding transcript variant (1).
Genome position (GRCh38, 1-based): chr2:15,234,615, C>T on the plus strand (G>A on the coding strand, the complement: NBAS is on the minus strand). VCF-style: chr2-15234615-C-T. GRCh37 (hg19) VCF-style: chr2-15374739-C-T.
Other names: short protein forms V2026I.
Identifiers: ClinVar variation 1408002 (VCV001408002.5), dbSNP rs1221014856, ClinGen allele CA345888495.

ClinVar aggregate classification (germline): Uncertain significance (1 of 4 stars; one submission).

Allele frequency attached by ClinVar (database versions not stated): gnomAD exomes below 0.00001.
gnomAD v4.1: 5 of 1,614,176 alleles (0.00031%); highest among the groups gnomAD compares: Admixed American, 0.0067%; no homozygotes.

Submission:

Labcorp Genetics (formerly Invitae), Labcorp
Classification: Uncertain significance. Last evaluated: 2024-10-29. Review status: criteria provided, single submitter. Criteria: Invitae Variant Classification Sherloc (09022015). Collection method: clinical testing. Allele origin: germline.
Comment: This sequence change replaces valine, which is neutral and non-polar, with isoleucine, which is neutral and non-polar, at codon 2026 of the NBAS protein (p.Val2026Ile). This variant is present in population databases (no rsID available, gnomAD 0.003%). This variant has not been reported in the literature in individuals affected with NBAS-related conditions. ClinVar contains an entry for this variant (Variation ID: 1408002). Invitae Evidence Modeling of protein sequence and biophysical properties (such as structural, functional, and spatial information, amino acid conservation, physicochemical variation, residue mobility, and thermodynamic stability) indicates that this missense variant is not expected to disrupt NBAS protein function with a negative predictive value of 95%. In summary, the available evidence is currently insufficient to determine the role of this variant in disease. Therefore, it has been classified as a Variant of Uncertain Significance.